The following is an entry in ClinVar:

ClinVar aggregate classification (germline): Uncertain significance. Review status: criteria provided, multiple submitters, no conflicts (2 of 4 stars). 2 submissions from 2 submitters: Uncertain significance (2). Last evaluated 2023-12-18.

Allele frequency attached by ClinVar (database versions not stated): TOPMed below 0.00001; gnomAD exomes 0.00001; ExAC 0.00005.
gnomAD v4.1: 13 of 1,613,918 alleles (0.00081%); highest among the groups gnomAD compares: Admixed American, 0.0083%; no homozygotes.

Submissions (2):

Labcorp Genetics (formerly Invitae), Labcorp
Classification: Uncertain significance. Last evaluated: 2023-12-18. Review status: criteria provided, single submitter. Criteria: Invitae Variant Classification Sherloc (09022015). Collection method: clinical testing. Allele origin: germline.
Comment: This sequence change replaces glycine, which is neutral and non-polar, with arginine, which is basic and polar, at codon 318 of the INSR protein (p.Gly318Arg). This variant is present in population databases (rs770929673, gnomAD 0.01%). This variant has not been reported in the literature in individuals affected with INSR-related conditions. Advanced modeling of protein sequence and biophysical properties (such as structural, functional, and spatial information, amino acid conservation, physicochemical variation, residue mobility, and thermodynamic stability) performed at Invitae indicates that this missense variant is expected to disrupt INSR protein function with a positive predictive value of 80%. Algorithms developed to predict the effect of sequence changes on RNA splicing suggest that this variant may create or strengthen a splice site. In summary, the available evidence is currently insufficient to determine the role of this variant in disease. Therefore, it has been classified as a Variant of Uncertain Significance.

Blueprint Genetics
Classification: Uncertain significance. Last evaluated: 2020-10-07. Review status: criteria provided, single submitter. Criteria: ACMG Guidelines, 2015. Collection method: clinical testing. Allele origin: germline.

NM_000208.4(INSR):c.952G>A (p.Gly318Arg)

Gene: INSR (insulin receptor; minus strand). Cytogenetic location: 19p13.2.
Variant type: single nucleotide variant.
Coding change: c.952G>A on transcript NM_000208.4 (MANE Select); coding-DNA position 952, G replaced by A.
Protein change: p.Gly318Arg; replaces glycine 318 with arginine.
Molecular consequence: missense variant.
Genome position (GRCh38, 1-based): chr19:7,184,338, C>T on the plus strand (G>A on the coding strand, the complement: INSR is on the minus strand). VCF-style: chr19-7184338-C-T. GRCh37 (hg19) VCF-style: chr19-7184349-C-T.
Other names: c.952G>A, p.Gly318Arg (NM_001079817.3); short protein forms G318R.
Identifiers: ClinVar variation 3017230 (VCV003017230.4), dbSNP rs770929673, ClinGen allele CA9135978.
Genomic context (GRCh38, chr19:7,184,338, plus strand): 5'-CCTCTCGGCTGCCCCCCAGACCCACATCCAGAACTCACTTGCTGGAATTCATCGTGTACC[C>T]GGAGGGACACTCAGGGATGCACTTGTTGTTGTGAATGACGTACTGGTGGCAGCCCTGCCT-3'
Protein context (NP_000199.2, residues 308-328): NNKCIPECPS[Gly318Arg]YTMNSSNLLC